The following is an entry in ClinVar:

NM_001378454.1(ALMS1):c.12147C>T (p.Ile4049=)

Genes: ALMS1 (ALMS1 centrosome and basal body associated protein; plus strand), LOC126806252 (BRD4-independent group 4 enhancer GRCh37_chr2:73828496-73829695; plus strand). Cytogenetic location: 2p13.1.
Variant type: single nucleotide variant.
Coding change: c.12147C>T on transcript NM_001378454.1 (MANE Select); coding-DNA position 12147, C replaced by T.
Protein change: p.Ile4049=; no amino-acid change (isoleucine 4049 retained).
Molecular consequence: synonymous variant.
Genome position (GRCh38, 1-based): chr2:73,602,217, C>T. VCF-style: chr2-73602217-C-T. GRCh37 (hg19) VCF-style: chr2-73829344-C-T.
Other names: c.12150C>T, p.Ile4050= (NM_015120.4).
Identifiers: ClinVar variation 513925 (VCV000513925.13), dbSNP rs374328093, ClinGen allele CA50337847.
Genomic context (GRCh38, chr2:73,602,217, plus strand): 5'-GGCATTTTCTCTTTTTTTTTTCTTTTAGGAATCGCTTCAGTTTCACAGACCTGACTTCAT[C>T]TCCCGCTCTGGGGAGCGGATAAAGCGCCTGAAGTTAATAGTCCAGGAGAGGAAGCTGCAG-3'
Protein context (NP_001365383.1, residues 4039-4059): ESLQFHRPDF[Ile4049=]SRSGERIKRL

ClinVar aggregate classification (germline): Likely benign. Review status: criteria provided, multiple submitters, no conflicts (2 of 4 stars). 5 submissions from 5 submitters: Likely benign (4). 1 of the submissions does not count toward it. Last evaluated 2026-03-13.

Conditions:
Cardiovascular phenotype. Identifiers: MedGen CN230736.
Alstrom syndrome (ALMS). Identifiers: Orphanet 64, MedGen C0268425, MONDO:0008763, OMIM 203800.

Allele frequency attached by ClinVar (database versions not stated): gnomAD exomes 0.00003 and 0.00002; ESP Exome Variant Server 0.00008; TOPMed 0.00002; gnomAD 0.00003.
gnomAD v4.1: 50 of 1,613,898 alleles (0.0031%); highest among the groups gnomAD compares: Non-Finnish European, 0.0042%; no homozygotes.

Submissions (5):

Women's Health and Genetics/Laboratory Corporation of America, LabCorp
Classification: Likely benign. Last evaluated: 2026-03-13. Review status: criteria provided, single submitter. Criteria: LabCorp Variant Classification Summary - May 2015. Collection method: clinical testing. Allele origin: germline.

Labcorp Genetics (formerly Invitae), Labcorp
Classification: Likely benign for Alstrom syndrome. Last evaluated: 2025-11-10. Review status: criteria provided, single submitter. Criteria: Invitae Variant Classification Sherloc (09022015). Collection method: clinical testing. Allele origin: germline.

Ambry Genetics
Classification: Likely benign for Cardiovascular phenotype. Last evaluated: 2024-05-02. Review status: criteria provided, single submitter. Criteria: Ambry Variant Classification Scheme 2023. Collection method: clinical testing. Allele origin: germline.

GeneDx
Classification: Likely benign. Last evaluated: 2017-12-06. Review status: criteria provided, single submitter. Criteria: GeneDx Variant Classification (06012015). Collection method: clinical testing. Allele origin: germline. Affected: yes.
Comment: This variant is considered likely benign or benign based on one or more of the following criteria: it is a conservative change, it occurs at a poorly conserved position in the protein, it is predicted to be benign by multiple in silico algorithms, and/or has population frequency not consistent with disease.

Counsyl
Classification: Likely benign for Alstrom syndrome. Last evaluated: 2017-05-04. Review status: no assertion criteria provided. Collection method: clinical testing. Allele origin: unknown. Not counted in ClinVar's aggregate classification.